The following is an entry in ClinVar:

NM_006329.4(FBLN5):c.1118G>A (p.Arg373His)

Gene: FBLN5 (fibulin 5; minus strand). Cytogenetic location: 14q32.12.
Variant type: single nucleotide variant.
Coding change: c.1118G>A on transcript NM_006329.4 (MANE Select); coding-DNA position 1118, G replaced by A.
Protein change: p.Arg373His; replaces arginine 373 with histidine.
Molecular consequence: missense variant.
Genome position (GRCh38, 1-based): chr14:91,877,554, C>T on the plus strand (G>A on the coding strand, the complement: FBLN5 is on the minus strand). VCF-style: chr14-91877554-C-T. GRCh37 (hg19) VCF-style: chr14-92343898-C-T.
Other names: c.1241G>A, p.Arg414His (NM_001384158.1); c.1169G>A, p.Arg390His (NM_001384159.1); c.1118G>A, p.Arg373His (NM_001384160.1); c.950G>A, p.Arg317His (NM_001384161.1, NM_001384162.1); short protein forms R317H, R373H, R390H, R414H.
Identifiers: ClinVar variation 1897611 (VCV001897611.5), dbSNP rs759062115, ClinGen allele CA7312616.

ClinVar aggregate classification (germline): Uncertain significance (1 of 4 stars; one submission).

Allele frequency attached by ClinVar (database versions not stated): gnomAD exomes below 0.00001; ExAC 0.00002.
gnomAD v4.1: 6 of 1,614,134 alleles (0.00037%); highest among the groups gnomAD compares: South Asian, 0.0033%; no homozygotes.

Submission:

Labcorp Genetics (formerly Invitae), Labcorp
Classification: Uncertain significance. Last evaluated: 2021-12-20. Review status: criteria provided, single submitter. Criteria: Invitae Variant Classification Sherloc (09022015). Collection method: clinical testing. Allele origin: germline.
Comment: This sequence change replaces arginine, which is basic and polar, with histidine, which is basic and polar, at codon 373 of the FBLN5 protein (p.Arg373His). This variant is present in population databases (rs759062115, gnomAD 0.004%). In summary, the available evidence is currently insufficient to determine the role of this variant in disease. Therefore, it has been classified as a Variant of Uncertain Significance. This variant disrupts the p.Arg373 amino acid residue in FBLN5. Other variant(s) that disrupt this residue have been determined to be pathogenic (PMID: 21576112, 23328402, 28332470, 31945625). This suggests that this residue is clinically significant, and that variants that disrupt this residue are likely to be disease-causing. Algorithms developed to predict the effect of missense changes on protein structure and function are either unavailable or do not agree on the potential impact of this missense change (SIFT: "Tolerated"; PolyPhen-2: "Possibly Damaging"; Align-GVGD: "Class C0"). This variant has not been reported in the literature in individuals affected with FBLN5-related conditions.

Literature cited by the submitters: PubMed 21576112; PubMed 23328402; PubMed 28332470; PubMed 31945625.